The following is an entry in ClinVar:

ClinVar aggregate classification (germline): Uncertain significance. Review status: criteria provided, single submitter (1 of 4 stars). 2 submissions from 2 submitters: Uncertain significance (1). 1 of the submissions does not count toward it. Last evaluated 2021-08-27.

Conditions:
Retinitis pigmentosa 25 (RP25). Identifiers: Orphanet 791, MedGen C1864446, MONDO:0011272, OMIM 602772.

Allele frequency attached by ClinVar (database versions not stated): TOPMed below 0.00001; gnomAD exomes 0.00002.
gnomAD v4.1: 25 of 1,549,682 alleles (0.0016%); highest among the groups gnomAD compares: Admixed American, 0.002%; no homozygotes.

Submissions (2):

Labcorp Genetics (formerly Invitae), Labcorp
Classification: Uncertain significance. Last evaluated: 2021-08-27. Review status: criteria provided, single submitter. Criteria: Invitae Variant Classification Sherloc (09022015). Collection method: clinical testing. Allele origin: germline.
Comment: This sequence change replaces isoleucine with threonine at codon 597 of the EYS protein (p.Ile597Thr). The isoleucine residue is weakly conserved and there is a moderate physicochemical difference between isoleucine and threonine. This variant is not present in population databases (ExAC no frequency). This variant has not been reported in the literature in individuals affected with EYS-related conditions. Algorithms developed to predict the effect of missense changes on protein structure and function output the following: SIFT: "Tolerated"; PolyPhen-2: "Benign"; Align-GVGD: "Class C0". The threonine amino acid residue is found in multiple mammalian species, which suggests that this missense change does not adversely affect protein function. In summary, the available evidence is currently insufficient to determine the role of this variant in disease. Therefore, it has been classified as a Variant of Uncertain Significance.

Natera, Inc.
Classification: Uncertain significance for Retinitis pigmentosa type 25. Last evaluated: 2020-08-07. Review status: no assertion criteria provided. Collection method: clinical testing. Allele origin: germline. Not counted in ClinVar's aggregate classification.

NM_001142800.2(EYS):c.1790T>C (p.Ile597Thr)

Gene: EYS (eyes shut homolog; minus strand). Cytogenetic location: 6q12.
Variant type: single nucleotide variant.
Coding change: c.1790T>C on transcript NM_001142800.2 (MANE Select); coding-DNA position 1790, T replaced by C.
Protein change: p.Ile597Thr; replaces isoleucine 597 with threonine.
Molecular consequence: missense variant.
Genome position (GRCh38, 1-based): chr6:65,296,096, A>G on the plus strand (T>C on the coding strand, the complement: EYS is on the minus strand). VCF-style: chr6-65296096-A-G. GRCh37 (hg19) VCF-style: chr6-66005989-A-G.
Other names: c.1790T>C, p.Ile597Thr (NM_001292009.2); short protein forms I597T.
Identifiers: ClinVar variation 839766 (VCV000839766.5), dbSNP rs1481056736, ClinGen allele CA364659816.